The following is an entry in ClinVar:

ClinVar aggregate classification (germline): Pathogenic. Review status: criteria provided, multiple submitters, no conflicts (2 of 4 stars). 2 submissions from 2 submitters: Pathogenic (2). Last evaluated 2023-09-05.

Conditions:
Bilateral frontoparietal polymicrogyria. Also called: CORTICAL DYSPLASIA, COMPLEX, WITH OTHER BRAIN MALFORMATIONS 14A (BILATERAL FRONTOPARIETAL); CEREBELLAR ATAXIA WITH NEURONAL MIGRATION DEFECT. Identifiers: Orphanet 101070, MedGen C1847352, MONDO:0011738, OMIM 606854.

Submissions (2):

Labcorp Genetics (formerly Invitae), Labcorp
Classification: Pathogenic. Last evaluated: 2023-09-05. Review status: criteria provided, single submitter. Criteria: Invitae Variant Classification Sherloc (09022015). Collection method: clinical testing. Allele origin: germline.
Comment: This sequence change creates a premature translational stop signal (p.Tyr511*) in the ADGRG1 gene. It is expected to result in an absent or disrupted protein product. Loss-of-function variants in ADGRG1 are known to be pathogenic (PMID: 15044805, 20929962). This variant is not present in population databases (gnomAD no frequency). This variant has not been reported in the literature in individuals affected with ADGRG1-related conditions. ClinVar contains an entry for this variant (Variation ID: 158621). For these reasons, this variant has been classified as Pathogenic.

Genetic Services Laboratory, University of Chicago
Classification: Pathogenic for Polymicrogyria, bilateral frontoparietal. Last evaluated: 2013-02-08. Review status: criteria provided, single submitter. Criteria: ACMG Guidelines, 2007. Collection method: clinical testing. Allele origin: germline. Inheritance: Autosomal recessive inheritance. Affected: yes.

Literature cited by the submitters: PubMed 15044805 (cited by Labcorp Genetics (formerly Invitae), Labcorp); PubMed 20929962 (cited by Labcorp Genetics (formerly Invitae), Labcorp).

NM_201525.4(ADGRG1):c.1515T>G (p.Tyr505Ter)

Gene: ADGRG1 (adhesion G protein-coupled receptor G1; plus strand). Cytogenetic location: 16q21.
Variant type: single nucleotide variant.
Coding change: c.1515T>G on transcript NM_201525.4 (MANE Select); coding-DNA position 1515, T replaced by G.
Protein change: p.Tyr505Ter; replaces tyrosine 505 with a stop codon.
Molecular consequence: nonsense.
Genome position (GRCh38, 1-based): chr16:57,659,641, T>G. VCF-style: chr16-57659641-T-G. GRCh37 (hg19) VCF-style: chr16-57693553-T-G.
Other names: c.1515T>G, p.Tyr505Ter (NM_001145770.3, NM_001145772.3, NM_001145774.3 and 7 more transcripts); c.1533T>G, p.Tyr511Ter (NM_001145771.3, NM_001370428.1, NM_001370429.1 and 4 more transcripts); c.1530T>G, p.Tyr510Ter (NM_001145773.3, NM_001370433.1, NM_001370434.1); c.1023T>G, p.Tyr341Ter (NM_001290142.2); c.1008T>G, p.Tyr336Ter (NM_001290143.2); c.990T>G, p.Tyr330Ter (NM_001290144.2, NM_001370451.1, NM_001370453.1 and 1 more transcripts); c.1512T>G, p.Tyr504Ter (NM_001370441.1); c.1359T>G, p.Tyr453Ter (NM_001370442.1); short protein forms Y511*, Y336*, Y341*, Y453*, Y510*, Y330*, Y504*, Y505*.
Identifiers: ClinVar variation 158621 (VCV000158621.9), dbSNP rs587783655, ClinGen allele CA271532.